The following is an entry in ClinVar:

NM_005982.4(SIX1):c.693C>A (p.Val231=)

Gene: SIX1 (SIX homeobox 1; minus strand). Cytogenetic location: 14q23.1.
Variant type: single nucleotide variant.
Coding change: c.693C>A on transcript NM_005982.4 (MANE Select); coding-DNA position 693, C replaced by A.
Protein change: p.Val231=; no amino-acid change (valine 231 retained).
Molecular consequence: synonymous variant. On other transcripts: 3 prime UTR variant (1).
Genome position (GRCh38, 1-based): chr14:60,646,445, G>T on the plus strand (C>A on the coding strand, the complement: SIX1 is on the minus strand). VCF-style: chr14-60646445-G-T. GRCh37 (hg19) VCF-style: chr14-61113163-G-T.
Other names: c.*112C>A (NM_001425142.1).
Identifiers: ClinVar variation 3753556 (VCV003753556.2).

ClinVar aggregate classification (germline): Uncertain significance (1 of 4 stars; one submission).

Conditions:
Branchiootic syndrome 3 (BOS3). Also called: BO SYNDROME 3. Identifiers: MedGen C1842124, MONDO:0012025, OMIM 608389.
Autosomal dominant nonsyndromic hearing loss 23. Identifiers: Orphanet 90635, MedGen C1854594, MONDO:0011519, OMIM 605192.

gnomAD v4.1: 10 of 1,614,038 alleles (0.00062%); highest among the groups gnomAD compares: Non-Finnish European, 0.00085%; no homozygotes.

Submission:

Labcorp Genetics (formerly Invitae), Labcorp
Classification: Uncertain significance for Autosomal dominant nonsyndromic hearing loss 23; Branchiootic syndrome 3. Last evaluated: 2024-08-29. Review status: criteria provided, single submitter. Criteria: Invitae Variant Classification Sherloc (09022015). Collection method: clinical testing. Allele origin: germline.
Comment: This sequence change affects codon 231 of the SIX1 mRNA. It is a 'silent' change, meaning that it does not change the encoded amino acid sequence of the SIX1 protein. This variant is present in population databases (rs748460225, gnomAD 0.0009%). This variant has not been reported in the literature in individuals affected with SIX1-related conditions. Algorithms developed to predict the effect of sequence changes on RNA splicing suggest that this variant may create or strengthen a splice site. In summary, the available evidence is currently insufficient to determine the role of this variant in disease. Therefore, it has been classified as a Variant of Uncertain Significance.